The following is an entry in ClinVar:

ClinVar aggregate classification (germline): Benign. Review status: criteria provided, multiple submitters, no conflicts (2 of 4 stars). 6 submissions from 5 submitters: Benign (6). Last evaluated 2026-09-21.

Conditions:
Fibromuscular dysplasia, multifocal. Identifiers: MedGen C5543412, MONDO:0859151, OMIM 619329.
Ehlers-Danlos syndrome, classic type, 1 (EDSCL1). Also called: Ehlers-Danlos syndrome, type 1; EHLERS-DANLOS SYNDROME, GRAVIS TYPE; EHLERS-DANLOS SYNDROME, SEVERE CLASSIC TYPE; Ehlers-Danlos Syndrome, Classic Type, COL5A1-Related; EDS I. Identifiers: MedGen C0268335, MONDO:0019567, OMIM 130000.

Allele frequency attached by ClinVar (database versions not stated): 1000 Genomes Project 30x 0.46596; gnomAD 0.46746 and 0.47462; TOPMed 0.47878; ESP Exome Variant Server 0.48931; 1000 Genomes Project 0.46106.
gnomAD v4.1: 649,680 of 1,550,680 alleles (42%); highest among the groups gnomAD compares: African/African-American, 63%; 138,602 homozygotes.

Submissions (6):

Molecular Diagnostic Laboratory for Inherited Cardiovascular Disease, Montreal Heart Institute
Classification: Benign. Last evaluated: 2026-09-21. Review status: criteria provided, single submitter. Criteria: ACMG Guidelines, 2015. Collection method: clinical testing. Allele origin: germline. Affected: no.
Comment: BA1

Genome-Nilou Lab
Classification: Benign for Ehlers-Danlos syndrome, classic type, 1. Last evaluated: 2022-03-15. Review status: criteria provided, single submitter. Criteria: ACMG Guidelines, 2015. Collection method: clinical testing. Allele origin: germline. Affected: no.

Genome-Nilou Lab
Classification: Benign for Fibromuscular dysplasia, multifocal. Last evaluated: 2022-03-15. Review status: criteria provided, single submitter. Criteria: ACMG Guidelines, 2015. Collection method: clinical testing. Allele origin: germline. Affected: no.

GeneDx
Classification: Benign. Last evaluated: 2018-06-23. Review status: criteria provided, single submitter. Criteria: GeneDx Variant Classification Process June 2021. Collection method: clinical testing. Allele origin: germline. Affected: yes.

Breakthrough Genomics
Classification: Benign. Review status: criteria provided, single submitter. Criteria: ACMG Guidelines, 2015. Collection method: not provided. Allele origin: germline. Inheritance: Autosomal dominant inheritance. Affected: yes.

PreventionGenetics, part of Exact Sciences
Classification: Benign. Review status: criteria provided, single submitter. Criteria: ACMG Guidelines, 2015. Collection method: clinical testing. Allele origin: germline.

NM_000093.5(COL5A1):c.4176+48A>G

Gene: COL5A1 (collagen type V alpha 1 chain; plus strand). Cytogenetic location: 9q34.3.
Variant type: single nucleotide variant.
Coding change: c.4176+48A>G on transcript NM_000093.5 (MANE Select); 48 bases into the intron after coding-DNA position 4176, A replaced by G.
Molecular consequence: intron variant.
Genome position (GRCh38, 1-based): chr9:134,817,127, A>G. VCF-style: chr9-134817127-A-G. GRCh37 (hg19) VCF-style: chr9-137708973-A-G.
Other names: c.4176+48A>G (NM_001278074.1).
Identifiers: ClinVar variation 255086 (VCV000255086.7), dbSNP rs10858283, ClinGen allele CA5320164.
Genomic context (GRCh38, chr9:134,817,127, plus strand): 5'-TCCAGGAAAAAGGGTAAATAATCCTGCAGGCACATCCTTGCTGTCAAATCCCTGCATGAA[A>G]CACCCCCGCCCCTCCCCGTCACCTTTGCTTGGGCCCTGGGTGCTCTAAGCTGCACTGATG-3'